The following is an entry in ClinVar:

ClinVar aggregate classification (germline): Likely pathogenic (1 of 4 stars; one submission).

Conditions:
Fanconi anemia (FA). Also called: Fanconi's anemia. Identifiers: Orphanet 84, MedGen C0015625, MeSH D005199, MONDO:0019391.

gnomAD v4.1: 5 of 1,613,970 alleles (0.00031%); highest among the groups gnomAD compares: Non-Finnish European, 0.00042%; no homozygotes.

Submission:

Labcorp Genetics (formerly Invitae), Labcorp
Classification: Likely pathogenic for Fanconi anemia. Last evaluated: 2020-06-16. Review status: criteria provided, single submitter. Criteria: Invitae Variant Classification Sherloc (09022015). Collection method: clinical testing. Allele origin: germline.
Comment: In summary, the currently available evidence indicates that the variant is pathogenic, but additional data are needed to prove that conclusively. Therefore, this variant has been classified as Likely Pathogenic. Donor and acceptor splice site variants typically lead to a loss of protein function (PMID: 16199547), and loss-of-function variants in FANCA are known to be pathogenic (PMID: 19367192). Algorithms developed to predict the effect of sequence changes on RNA splicing suggest that this variant may disrupt the consensus splice site, but this prediction has not been confirmed by published transcriptional studies. This variant has not been reported in the literature in individuals with FANCA-related conditions. This variant is not present in population databases (ExAC no frequency). This sequence change affects an acceptor splice site in intron 3 of the FANCA gene. It is expected to disrupt RNA splicing and likely results in an absent or disrupted protein product.

Literature cited by the submitters: PubMed 16199547; PubMed 19367192.

NM_000135.4(FANCA):c.284-1G>C

Gene: FANCA (FA complementation group A; minus strand). Cytogenetic location: 16q24.3.
Variant type: single nucleotide variant.
Coding change: c.284-1G>C on transcript NM_000135.4 (MANE Select); the canonical splice acceptor site of the intron before coding-DNA position 284, G replaced by C.
Molecular consequence: splice acceptor variant.
Genome position (GRCh38, 1-based): chr16:89,811,072, C>G on the plus strand (G>C on the coding strand, the complement: FANCA is on the minus strand). VCF-style: chr16-89811072-C-G. GRCh37 (hg19) VCF-style: chr16-89877480-C-G.
Other names: c.284-1G>C (NM_001286167.3, NM_001351830.2, NM_001018112.3).
Identifiers: ClinVar variation 950761 (VCV000950761.8), dbSNP rs781216924, ClinGen allele CA397481123.